The following is an entry in ClinVar:

ClinVar aggregate classification (germline): Uncertain significance. Review status: criteria provided, multiple submitters, no conflicts (2 of 4 stars). 2 submissions from 2 submitters: Uncertain significance (2). Last evaluated 2024-05-16.

Allele frequency attached by ClinVar (database versions not stated): gnomAD exomes below 0.00001; ExAC 0.00001; TOPMed 0.00001.
gnomAD v4.1: 2 of 1,613,978 alleles (0.00012%); highest among the groups gnomAD compares: Non-Finnish European, 0.00017%; no homozygotes.

Submissions (2):

Women's Health and Genetics/Laboratory Corporation of America, LabCorp
Classification: Uncertain significance. Last evaluated: 2024-05-16. Review status: criteria provided, single submitter. Criteria: LabCorp Variant Classification Summary - May 2015. Collection method: clinical testing. Allele origin: germline.
Comment: Variant summary: FKBP10 c.1207C>G (p.Arg403Gly) results in a non-conservative amino acid change located in the FKBP-type peptidyl-prolyl cis-trans isomerase domain (IPR001179) of the encoded protein sequence. Three of five in-silico tools predict a damaging effect of the variant on protein function. The variant allele was found at a frequency of 4e-06 in 251486 control chromosomes. The available data on variant occurrences in the general population are insufficient to allow any conclusion about variant significance. To our knowledge, no occurrence of c.1207C>G in individuals affected with Osteogenesis Imperfecta and no experimental evidence demonstrating its impact on protein function have been reported. ClinVar contains an entry for this variant (Variation ID: 995706). Based on the evidence outlined above, the variant was classified as uncertain significance.

ARUP Laboratories, Molecular Genetics and Genomics, ARUP Laboratories
Classification: Uncertain significance. Last evaluated: 2020-04-08. Review status: criteria provided, single submitter. Criteria: ARUP Molecular Germline Variant Investigation Process. Collection method: clinical testing. Allele origin: germline.
Comment: The FKBP10 c.1207C>G; p.Arg403Gly variant (rs372896892), to our knowledge, is not reported in the medical literature or gene-specific databases. This variant is found on a single chromosome in the Genome Aggregation Database (1/251486 alleles), indicating it is not a common polymorphism. The arginine at codon 403 is moderately conserved, and computational analyses (SIFT, PolyPhen-2) predict that this variant is deleterious. However, given the lack of clinical and functional data, the significance of the p.Arg403Gly variant is uncertain at this time.

NM_021939.4(FKBP10):c.1207C>G (p.Arg403Gly)

Gene: FKBP10 (FKBP prolyl isomerase 10; plus strand). Cytogenetic location: 17q21.2.
Variant type: single nucleotide variant.
Coding change: c.1207C>G on transcript NM_021939.4 (MANE Select); coding-DNA position 1207, C replaced by G.
Protein change: p.Arg403Gly; replaces arginine 403 with glycine.
Molecular consequence: missense variant.
Genome position (GRCh38, 1-based): chr17:41,820,412, C>G. VCF-style: chr17-41820412-C-G. GRCh37 (hg19) VCF-style: chr17-39976664-C-G.
Other names: short protein forms R403G.
Identifiers: ClinVar variation 995706 (VCV000995706.9), dbSNP rs372896892, ClinGen allele CA8566540.